The following is an entry in ClinVar:

ClinVar aggregate classification (germline): Uncertain significance (1 of 4 stars; one submission).

Submission:

Dasa
Classification: Uncertain significance. Last evaluated: 2026-01-29. Review status: criteria provided, single submitter. Criteria: DASA Assertion Criteria. Collection method: clinical testing. Allele origin: germline.
Comment: NM_001301043.2(CADM1):c.173A>G (p.Glu58Gly) is a missense variant that results in the substitution of glutamic acid with glycine. This variant is rare in population databases. The currently available literature and clinical evidence are not sufficient to establish a definitive association between this variant and the reported condition. Therefore, this variant is classified as a variant of uncertain significance.

NM_001301043.2(CADM1):c.173A>G (p.Glu58Gly)

Gene: CADM1 (cell adhesion molecule 1; minus strand). Cytogenetic location: 11q23.3.
Variant type: single nucleotide variant.
Coding change: c.173A>G on transcript NM_001301043.2 (MANE Select); coding-DNA position 173, A replaced by G.
Protein change: p.Glu58Gly; replaces glutamic acid 58 with glycine.
Molecular consequence: missense variant.
Genome position (GRCh38, 1-based): chr11:115,240,372, T>C on the plus strand (A>G on the coding strand, the complement: CADM1 is on the minus strand). VCF-style: chr11-115240372-T-C. GRCh37 (hg19) VCF-style: chr11-115111092-T-C.
Other names: c.173A>G, p.Glu58Gly (NM_001098517.2, NM_001301044.2, NM_001301045.2 and 1 more transcripts); short protein forms E58G.
Identifiers: ClinVar variation 5020718 (VCV005020718.1).